The following is an entry in ClinVar:

NM_016151.4(TAOK2):c.2120G>T (p.Arg707Leu)

Gene: TAOK2 (TAO kinase 2; plus strand). Cytogenetic location: 16p11.2.
Variant type: single nucleotide variant.
Coding change: c.2120G>T on transcript NM_016151.4 (MANE Select); coding-DNA position 2120, G replaced by T.
Protein change: p.Arg707Leu; replaces arginine 707 with leucine.
Molecular consequence: missense variant.
Genome position (GRCh38, 1-based): chr16:29,986,392, G>T. VCF-style: chr16-29986392-G-T. GRCh37 (hg19) VCF-style: chr16-29997713-G-T.
Other names: c.2120G>T, p.Arg707Leu (NM_001252043.2, NM_004783.4); short protein forms R707L.
Identifiers: ClinVar variation 1386884 (VCV001386884.6), dbSNP rs559551824, ClinGen allele CA395489129.

ClinVar aggregate classification (germline): Uncertain significance (1 of 4 stars; one submission).

gnomAD v4.1: 2 of 1,610,772 alleles (0.00012%); highest among the groups gnomAD compares: Non-Finnish European, 0.00017%; no homozygotes.

Submission:

Labcorp Genetics (formerly Invitae), Labcorp
Classification: Uncertain significance. Last evaluated: 2022-07-05. Review status: criteria provided, single submitter. Criteria: Invitae Variant Classification Sherloc (09022015). Collection method: clinical testing. Allele origin: germline.
Comment: This sequence change replaces arginine, which is basic and polar, with leucine, which is neutral and non-polar, at codon 707 of the TAOK2 protein (p.Arg707Leu). In summary, the available evidence is currently insufficient to determine the role of this variant in disease. Therefore, it has been classified as a Variant of Uncertain Significance. Algorithms developed to predict the effect of missense changes on protein structure and function are either unavailable or do not agree on the potential impact of this missense change (SIFT: "Tolerated"; PolyPhen-2: "Possibly Damaging"; Align-GVGD: "Class C0"). ClinVar contains an entry for this variant (Variation ID: 1386884). This variant has not been reported in the literature in individuals affected with TAOK2-related conditions. This variant is not present in population databases (gnomAD no frequency).